The following is an entry in ClinVar:

NM_031935.3(HMCN1):c.8098G>A (p.Ala2700Thr)

Gene: HMCN1 (hemicentin 1; plus strand). Cytogenetic location: 1q31.1.
Variant type: single nucleotide variant.
Coding change: c.8098G>A on transcript NM_031935.3 (MANE Select); coding-DNA position 8098, G replaced by A.
Protein change: p.Ala2700Thr; replaces alanine 2700 with threonine.
Molecular consequence: missense variant.
Genome position (GRCh38, 1-based): chr1:186,070,716, G>A. VCF-style: chr1-186070716-G-A. GRCh37 (hg19) VCF-style: chr1-186039848-G-A.
Other names: short protein forms A2700T.
Identifiers: ClinVar variation 2196008 (VCV002196008.4), dbSNP rs780455479, ClinGen allele CA33462850.

ClinVar aggregate classification (germline): Uncertain significance (1 of 4 stars; one submission).

Allele frequency attached by ClinVar (database versions not stated): TOPMed 0.00002; gnomAD exomes 0.00003.
gnomAD v4.1: 49 of 1,613,890 alleles (0.003%); highest among the groups gnomAD compares: Non-Finnish European, 0.0039%; no homozygotes.

Submission:

Labcorp Genetics (formerly Invitae), Labcorp
Classification: Uncertain significance. Last evaluated: 2023-11-27. Review status: criteria provided, single submitter. Criteria: Invitae Variant Classification Sherloc (09022015). Collection method: clinical testing. Allele origin: germline.
Comment: This sequence change replaces alanine, which is neutral and non-polar, with threonine, which is neutral and polar, at codon 2700 of the HMCN1 protein (p.Ala2700Thr). This variant is present in population databases (rs780455479, gnomAD 0.002%). This variant has not been reported in the literature in individuals affected with HMCN1-related conditions. ClinVar contains an entry for this variant (Variation ID: 2196008). An algorithm developed to predict the effect of missense changes on protein structure and function (PolyPhen-2) suggests that this variant is likely to be disruptive. In summary, the available evidence is currently insufficient to determine the role of this variant in disease. Therefore, it has been classified as a Variant of Uncertain Significance.